The following is an entry in ClinVar:

ClinVar aggregate classification (germline): Uncertain significance. Review status: criteria provided, multiple submitters, no conflicts (2 of 4 stars). 2 submissions from 2 submitters: Uncertain significance (2). Last evaluated 2024-06-05.

Conditions:
DNA ligase IV deficiency. Identifiers: Orphanet 99812, MedGen C1847827, MONDO:0011686, OMIM 606593.

Allele frequency attached by ClinVar (database versions not stated): gnomAD 0.00001; gnomAD exomes 0.00001 and 0.00005; TOPMed 0.00001; ExAC 0.00002.
gnomAD v4.1: 66 of 1,613,992 alleles (0.0041%); highest among the groups gnomAD compares: Middle Eastern, 0.016%; no homozygotes.

Submissions (2):

Mayo Clinic Laboratories, Mayo Clinic
Classification: Uncertain significance. Last evaluated: 2024-06-05. Review status: criteria provided, single submitter. Criteria: ACMG Guidelines, 2015. Collection method: clinical testing. Allele origin: germline. Observed: 1 variant allele.
Comment: PP3

Labcorp Genetics (formerly Invitae), Labcorp
Classification: Uncertain significance for DNA ligase IV deficiency. Last evaluated: 2022-07-01. Review status: criteria provided, single submitter. Criteria: Invitae Variant Classification Sherloc (09022015). Collection method: clinical testing. Allele origin: germline.
Comment: This sequence change replaces arginine, which is basic and polar, with histidine, which is basic and polar, at codon 577 of the LIG4 protein (p.Arg577His). This variant is present in population databases (rs748301113, gnomAD 0.004%). This variant has not been reported in the literature in individuals affected with LIG4-related conditions. ClinVar contains an entry for this variant (Variation ID: 954120). Algorithms developed to predict the effect of missense changes on protein structure and function are either unavailable or do not agree on the potential impact of this missense change (SIFT: "Tolerated"; PolyPhen-2: "Probably Damaging"; Align-GVGD: "Class C0"). In summary, the available evidence is currently insufficient to determine the role of this variant in disease. Therefore, it has been classified as a Variant of Uncertain Significance.

Literature cited by the submitters: PubMed 37865086 (cited by Mayo Clinic Laboratories, Mayo Clinic).

NM_206937.2(LIG4):c.1730G>A (p.Arg577His)

Gene: LIG4 (DNA ligase 4; minus strand). Cytogenetic location: 13q33.3.
Variant type: single nucleotide variant.
Coding change: c.1730G>A on transcript NM_206937.2 (MANE Select); coding-DNA position 1730, G replaced by A.
Protein change: p.Arg577His; replaces arginine 577 with histidine.
Molecular consequence: missense variant.
Genome position (GRCh38, 1-based): chr13:108,209,539, C>T on the plus strand (G>A on the coding strand, the complement: LIG4 is on the minus strand). VCF-style: chr13-108209539-C-T. GRCh37 (hg19) VCF-style: chr13-108861887-C-T.
Other names: p.Arg577His; c.1730G>A, p.Arg577His (NM_002312.3, NM_001098268.2, NM_001352598.2 and 6 more transcripts); c.1529G>A, p.Arg510His (NM_001330595.2); c.1766G>A, p.Arg589His (NM_001352604.2); short protein forms R577H, R510H, R589H.
Identifiers: ClinVar variation 954120 (VCV000954120.8), dbSNP rs748301113, ClinGen allele CA7043629.